The following is an entry in ClinVar:

NM_153717.3(EVC):c.1096C>T (p.Leu366=)

Gene: EVC (EvC ciliary complex subunit 1; plus strand). Cytogenetic location: 4p16.2.
Variant type: single nucleotide variant.
Coding change: c.1096C>T on transcript NM_153717.3 (MANE Select); coding-DNA position 1096, C replaced by T.
Protein change: p.Leu366=; no amino-acid change (leucine 366 retained).
Molecular consequence: synonymous variant.
Genome position (GRCh38, 1-based): chr4:5,748,304, C>T. VCF-style: chr4-5748304-C-T. GRCh37 (hg19) VCF-style: chr4-5750031-C-T.
Other names: c.1096C>T, p.Leu366= (NM_001306090.2, NM_001306092.2).
Identifiers: ClinVar variation 262763 (VCV000262763.21), dbSNP rs6854138, ClinGen allele CA2835980.

ClinVar aggregate classification (germline): Benign. Review status: criteria provided, multiple submitters, no conflicts (2 of 4 stars). 7 submissions from 7 submitters: Benign (6). 1 of the submissions does not count toward it. Last evaluated 2026-05-11.

Conditions:
Ellis-van Creveld syndrome (EVC). Also called: Chondroectodermal dysplasia; MESOECTODERMAL DYSPLASIA. Identifiers: Orphanet 289, MedGen C0013903, MONDO:0009162, OMIM 225500.
Curry-Hall syndrome (WAD). Also called: WEYERS ACRODENTAL DYSOSTOSIS. Identifiers: Orphanet 952, MedGen C0457013, MONDO:0008673, OMIM 193530.

Allele frequency attached by ClinVar (database versions not stated): gnomAD 0.03038 and 0.03243; ESP Exome Variant Server 0.03421; TOPMed 0.03474; 1000 Genomes Project 0.03494; 1000 Genomes Project 30x 0.03560; gnomAD exomes 0.00781; ExAC 0.00942.
gnomAD v4.1: 9,411 of 1,613,968 alleles (0.58%); highest among the groups gnomAD compares: African/African-American, 10%; 423 homozygotes.

Submissions (25):

Women's Health and Genetics/Laboratory Corporation of America, LabCorp
Classification: Benign. Last evaluated: 2026-05-11. Review status: criteria provided, single submitter. Criteria: LabCorp Variant Classification Summary - May 2015. Collection method: clinical testing. Allele origin: germline.

Labcorp Genetics (formerly Invitae), Labcorp
Classification: Benign for Curry-Hall syndrome; Ellis-van Creveld syndrome. Last evaluated: 2026-02-03. Review status: criteria provided, single submitter. Criteria: Invitae Variant Classification Sherloc (09022015). Collection method: clinical testing. Allele origin: germline.

Illumina Laboratory Services, Illumina
Classification: Benign for Ellis-van Creveld syndrome. Last evaluated: 2018-01-13. Review status: criteria provided, single submitter. Criteria: ICSL Variant Classification Criteria 13 December 2019. Collection method: clinical testing. Allele origin: germline.
Comment: This variant was observed in the ICSL laboratory as part of a predisposition screen in an ostensibly healthy population. It had not been previously curated by ICSL or reported in the Human Gene Mutation Database (HGMD: prior to June 1st, 2018), and was therefore a candidate for classification through an automated scoring system. Utilizing variant allele frequency, disease prevalence and penetrance estimates, and inheritance mode, an automated score was calculated to assess if this variant is too frequent to cause the disease. Based on the score and internal cut-off values, a variant classified as benign is not then subjected to further curation. The score for this variant resulted in a classification of benign for this disease.

GeneDx
Classification: Benign. Last evaluated: 2016-06-06. Review status: criteria provided, single submitter. Criteria: GeneDx Variant Classification (06012015). Collection method: clinical testing. Allele origin: germline. Affected: yes.
Comment: This variant is considered likely benign or benign based on one or more of the following criteria: it is a conservative change, it occurs at a poorly conserved position in the protein, it is predicted to be benign by multiple in silico algorithms, and/or has population frequency not consistent with disease.

Breakthrough Genomics
Classification: Benign. Review status: criteria provided, single submitter. Criteria: ACMG Guidelines, 2015. Collection method: not provided. Allele origin: germline. Inheritance: Autosomal recessive inheritance. Affected: yes.

PreventionGenetics, part of Exact Sciences
Classification: Benign. Review status: criteria provided, single submitter. Criteria: ACMG Guidelines, 2015. Collection method: clinical testing. Allele origin: germline.

Natera, Inc.
Classification: Benign for Ellis-van Creveld syndrome. Last evaluated: 2020-09-16. Review status: no assertion criteria provided. Collection method: clinical testing. Allele origin: germline. Not counted in ClinVar's aggregate classification.

Dr. Peter K. Rogan Lab, Western University
No classification provided (evidence only). Condition: Clear cell carcinoma of kidney. Review status: no classification provided. Collection method: in vitro. Allele origin: not applicable. Functional consequence: retained intron. Not counted in ClinVar's aggregate classification.

Dr. Peter K. Rogan Lab, Western University
No classification provided (evidence only). Condition: Clear cell carcinoma of kidney. Review status: no classification provided. Collection method: in vitro. Allele origin: not applicable. Functional consequence: retained intron. Not counted in ClinVar's aggregate classification.

Dr. Peter K. Rogan Lab, Western University
No classification provided (evidence only). Condition: Clear cell carcinoma of kidney. Review status: no classification provided. Collection method: in vitro. Allele origin: not applicable. Functional consequence: retained intron. Not counted in ClinVar's aggregate classification.

Dr. Peter K. Rogan Lab, Western University
No classification provided (evidence only). Condition: Clear cell carcinoma of kidney. Review status: no classification provided. Collection method: in vitro. Allele origin: not applicable. Functional consequence: retained intron. Not counted in ClinVar's aggregate classification.

Dr. Peter K. Rogan Lab, Western University
No classification provided (evidence only). Condition: Clear cell carcinoma of kidney. Review status: no classification provided. Collection method: in vitro. Allele origin: not applicable. Functional consequence: retained intron. Not counted in ClinVar's aggregate classification.

Dr. Peter K. Rogan Lab, Western University
No classification provided (evidence only). Condition: Clear cell carcinoma of kidney. Review status: no classification provided. Collection method: in vitro. Allele origin: not applicable. Functional consequence: retained intron. Not counted in ClinVar's aggregate classification.

Dr. Peter K. Rogan Lab, Western University
No classification provided (evidence only). Condition: Lung cancer. Review status: no classification provided. Collection method: in vitro. Allele origin: not applicable. Functional consequence: retained intron. Not counted in ClinVar's aggregate classification.

Dr. Peter K. Rogan Lab, Western University
No classification provided (evidence only). Condition: Lung cancer. Review status: no classification provided. Collection method: in vitro. Allele origin: not applicable. Functional consequence: retained intron. Not counted in ClinVar's aggregate classification.

Dr. Peter K. Rogan Lab, Western University
No classification provided (evidence only). Condition: Lung cancer. Review status: no classification provided. Collection method: in vitro. Allele origin: not applicable. Functional consequence: retained intron. Not counted in ClinVar's aggregate classification.

Dr. Peter K. Rogan Lab, Western University
No classification provided (evidence only). Condition: Thyroid cancer, nonmedullary, 1. Review status: no classification provided. Collection method: in vitro. Allele origin: not applicable. Functional consequence: retained intron. Not counted in ClinVar's aggregate classification.

Dr. Peter K. Rogan Lab, Western University
No classification provided (evidence only). Condition: Cervical cancer. Review status: no classification provided. Collection method: in vitro. Allele origin: not applicable. Functional consequence: retained intron. Not counted in ClinVar's aggregate classification.

Dr. Peter K. Rogan Lab, Western University
No classification provided (evidence only). Condition: Cervical cancer. Review status: no classification provided. Collection method: in vitro. Allele origin: not applicable. Functional consequence: retained intron. Not counted in ClinVar's aggregate classification.

Dr. Peter K. Rogan Lab, Western University
No classification provided (evidence only). Condition: Sarcoma. Review status: no classification provided. Collection method: in vitro. Allele origin: not applicable. Functional consequence: retained intron. Not counted in ClinVar's aggregate classification.

Dr. Peter K. Rogan Lab, Western University
No classification provided (evidence only). Condition: Thymoma. Review status: no classification provided. Collection method: in vitro. Allele origin: not applicable. Functional consequence: retained intron. Not counted in ClinVar's aggregate classification.

Dr. Peter K. Rogan Lab, Western University
No classification provided (evidence only). Condition: Cholangiocarcinoma. Review status: no classification provided. Collection method: in vitro. Allele origin: not applicable. Functional consequence: retained intron. Not counted in ClinVar's aggregate classification.

Dr. Peter K. Rogan Lab, Western University
No classification provided (evidence only). Condition: Ovarian serous cystadenocarcinoma. Review status: no classification provided. Collection method: in vitro. Allele origin: not applicable. Functional consequence: retained intron. Not counted in ClinVar's aggregate classification.

Dr. Peter K. Rogan Lab, Western University
No classification provided (evidence only). Condition: Ovarian serous cystadenocarcinoma. Review status: no classification provided. Collection method: in vitro. Allele origin: not applicable. Functional consequence: retained intron. Not counted in ClinVar's aggregate classification.

Dr. Peter K. Rogan Lab, Western University
No classification provided (evidence only). Condition: Gastric cancer. Review status: no classification provided. Collection method: in vitro. Allele origin: not applicable. Functional consequence: retained intron. Not counted in ClinVar's aggregate classification.